The following is an entry in ClinVar:

NM_012330.4(KAT6B):c.817A>G (p.Ser273Gly)

Gene: KAT6B (lysine acetyltransferase 6B; plus strand). Cytogenetic location: 10q22.2.
Variant type: single nucleotide variant.
Coding change: c.817A>G on transcript NM_012330.4 (MANE Select); coding-DNA position 817, A replaced by G.
Protein change: p.Ser273Gly; replaces serine 273 with glycine.
Molecular consequence: missense variant. On other transcripts: intron variant (2).
Genome position (GRCh38, 1-based): chr10:74,969,746, A>G. VCF-style: chr10-74969746-A-G. GRCh37 (hg19) VCF-style: chr10-76729504-A-G.
Other names: c.817A>G, p.Ser273Gly (NM_001370137.1, NM_001370138.1, NM_001370139.1 and 10 more transcripts); c.193-9478A>G (NM_001370134.1); c.192+9668A>G (NM_001370135.1); short protein forms S273G.
Identifiers: ClinVar variation 2841438 (VCV002841438.3), dbSNP rs2548920958, ClinGen allele CA377281939.
Genomic context (GRCh38, chr10:74,969,746, plus strand): 5'-CCTGAATTAACAACAAATGTAAAGGCCTTAAGGTGGCAGTGCATCGAATGCAAGACATGC[A>G]GTGCCTGTAGAGTCCAAGGCAGAAATGCTGTAAGTATGGCTCCCGTAATCCGCCTCCAGG-3'
Protein context (NP_036462.2, residues 263-283): RWQCIECKTC[Ser273Gly]ACRVQGRNAD

ClinVar aggregate classification (germline): Uncertain significance (1 of 4 stars; one submission).

Conditions:
Genitopatellar syndrome (GTPTS). Also called: Genitopatellar syndrome (GPS); ABSENT PATELLAE, SCROTAL HYPOPLASIA, RENAL ANOMALIES, FACIAL DYSMORPHISM, AND MENTAL RETARDATION. Identifiers: Orphanet 85201, MedGen C1853566, MONDO:0011640, OMIM 606170.

Submission:

Labcorp Genetics (formerly Invitae), Labcorp
Classification: Uncertain significance for Genitopatellar syndrome. Last evaluated: 2023-02-27. Review status: criteria provided, single submitter. Criteria: Invitae Variant Classification Sherloc (09022015). Collection method: clinical testing. Allele origin: germline.
Comment: In summary, the available evidence is currently insufficient to determine the role of this variant in disease. Therefore, it has been classified as a Variant of Uncertain Significance. Advanced modeling of protein sequence and biophysical properties (such as structural, functional, and spatial information, amino acid conservation, physicochemical variation, residue mobility, and thermodynamic stability) performed at Invitae indicates that this missense variant is not expected to disrupt KAT6B protein function. This variant has not been reported in the literature in individuals affected with KAT6B-related conditions. This variant is not present in population databases (gnomAD no frequency). This sequence change replaces serine, which is neutral and polar, with glycine, which is neutral and non-polar, at codon 273 of the KAT6B protein (p.Ser273Gly).